The following is an entry in ClinVar:

NM_000718.4(CACNA1B):c.6072G>A (p.Thr2024=)

Gene: CACNA1B (calcium voltage-gated channel subunit alpha1 B; plus strand). Cytogenetic location: 9q34.3.
Variant type: single nucleotide variant.
Coding change: c.6072G>A on transcript NM_000718.4 (MANE Select); coding-DNA position 6072, G replaced by A.
Protein change: p.Thr2024=; no amino-acid change (threonine 2024 retained).
Molecular consequence: synonymous variant.
Genome position (GRCh38, 1-based): chr9:138,120,206, G>A. VCF-style: chr9-138120206-G-A. GRCh37 (hg19) VCF-style: chr9-141014658-G-A.
Other names: c.6072G>A, p.Thr2024= (NM_001243812.2); c.6072G>A (NM_000718.3).
Identifiers: ClinVar variation 1571488 (VCV001571488.11), dbSNP rs201904272, ClinGen allele CA5377600.

ClinVar aggregate classification (germline): Benign/Likely benign. Review status: criteria provided, multiple submitters, no conflicts (2 of 4 stars). 4 submissions from 4 submitters: Benign (2); Likely benign (2). Last evaluated 2026-01-19.

Conditions:
Neurodevelopmental disorder with seizures and nonepileptic hyperkinetic movements. Identifiers: MedGen C5193128, MONDO:0032784, OMIM 618497.
CACNA1B-related disorder. Also called: CACNA1B-related condition.

Allele frequency attached by ClinVar (database versions not stated): gnomAD exomes 0.00030 and 0.00053; ExAC 0.00076; ESP Exome Variant Server 0.00093; gnomAD 0.00141 and 0.00150; 1000 Genomes Project 30x 0.00172; TOPMed 0.00172; 1000 Genomes Project 0.00180.
gnomAD v4.1: 675 of 1,608,494 alleles (0.042%); highest among the groups gnomAD compares: African/African-American, 0.48%; no homozygotes.

Submissions (4):

Labcorp Genetics (formerly Invitae), Labcorp
Classification: Benign. Last evaluated: 2026-01-19. Review status: criteria provided, single submitter. Criteria: Invitae Variant Classification Sherloc (09022015). Collection method: clinical testing. Allele origin: germline.

PreventionGenetics, part of Exact Sciences
Classification: Likely benign for CACNA1B-related condition. Last evaluated: 2025-01-04. Review status: criteria provided, single submitter. Criteria: ACMG Guidelines, 2015. Collection method: clinical testing. Allele origin: germline.
Comment: This variant is classified as likely benign based on ACMG/AMP sequence variant interpretation guidelines (Richards et al. 2015 PMID: 25741868, with internal and published modifications).

Blueprint Genetics
Classification: Likely benign. Last evaluated: 2024-07-16. Review status: criteria provided, single submitter. Criteria: ACMG Guidelines, 2015. Collection method: clinical testing. Allele origin: germline.

Fulgent Genetics
Classification: Benign for Neurodevelopmental disorder with seizures and nonepileptic hyperkinetic movements. Last evaluated: 2021-09-01. Review status: criteria provided, single submitter. Criteria: ACMG Guidelines, 2015. Collection method: clinical testing. Allele origin: unknown.